The following is an entry in ClinVar:

ClinVar aggregate classification (germline): Uncertain significance. Review status: criteria provided, multiple submitters, no conflicts (2 of 4 stars). 4 submissions from 4 submitters: Uncertain significance (4). Last evaluated 2025-03-01.

Conditions:
Hereditary cancer-predisposing syndrome. Also called: Hereditary Cancer Syndrome; Hereditary neoplastic syndrome; Tumor predisposition; Neoplastic Syndromes, Hereditary. Identifiers: Orphanet 140162, MedGen C0027672, MeSH D009386, MONDO:0015356.
Familial cancer of breast. Also called: BREAST CANCER, FAMILIAL; hereditary breast carcinoma; Hereditary breast cancer. Identifiers: Orphanet 227535, MedGen C0346153, MONDO:0016419, OMIM 114480. Disease mechanism: loss of function.
Fanconi anemia complementation group J. Also called: BRIP1-Related Fanconi Anemia. Identifiers: Orphanet 84, MedGen C1836860, MONDO:0012187, OMIM 609054.

Allele frequency attached by ClinVar (database versions not stated): gnomAD exomes below 0.00001; TOPMed below 0.00001; gnomAD 0.00001.
gnomAD v4.1: 2 of 1,613,810 alleles (0.00012%); highest among the groups gnomAD compares: African/African-American, 0.0027%; no homozygotes.

Submissions (4):

Ambry Genetics
Classification: Uncertain significance for Hereditary cancer-predisposing syndrome. Last evaluated: 2025-03-01. Review status: criteria provided, single submitter. Criteria: Ambry Variant Classification Scheme 2023. Collection method: clinical testing. Allele origin: germline.
Comment: The p.C90Y variant (also known as c.269G>A), located in coding exon 3 of the BRIP1 gene, results from a G to A substitution at nucleotide position 269. The cysteine at codon 90 is replaced by tyrosine, an amino acid with highly dissimilar properties. This amino acid position is highly conserved in available vertebrate species. In addition, the in silico prediction for this alteration is inconclusive. Since supporting evidence is limited at this time, the clinical significance of this alteration remains unclear.

GeneDx
Classification: Uncertain significance. Last evaluated: 2024-06-11. Review status: criteria provided, single submitter. Criteria: GeneDx Variant Classification Process June 2021. Collection method: clinical testing. Allele origin: germline. Affected: yes.
Comment: Not observed at significant frequency in large population cohorts (gnomAD); In silico analysis supports that this missense variant has a deleterious effect on protein structure/function; Has not been previously published as pathogenic or benign to our knowledge; This variant is associated with the following publications: (PMID: 30414346)

Labcorp Genetics (formerly Invitae), Labcorp
Classification: Uncertain significance for Familial cancer of breast; Fanconi anemia complementation group J. Last evaluated: 2024-03-20. Review status: criteria provided, single submitter. Criteria: Invitae Variant Classification Sherloc (09022015). Collection method: clinical testing. Allele origin: germline.
Comment: This sequence change replaces cysteine, which is neutral and slightly polar, with tyrosine, which is neutral and polar, at codon 90 of the BRIP1 protein (p.Cys90Tyr). This variant is present in population databases (no rsID available, gnomAD 0.008%). This variant has not been reported in the literature in individuals affected with BRIP1-related conditions. ClinVar contains an entry for this variant (Variation ID: 1356477). Advanced modeling of protein sequence and biophysical properties (such as structural, functional, and spatial information, amino acid conservation, physicochemical variation, residue mobility, and thermodynamic stability) has been performed at Invitae for this missense variant, however the output from this modeling did not meet the statistical confidence thresholds required to predict the impact of this variant on BRIP1 protein function. In summary, the available evidence is currently insufficient to determine the role of this variant in disease. Therefore, it has been classified as a Variant of Uncertain Significance.

Quest Diagnostics Nichols Institute San Juan Capistrano
Classification: Uncertain significance. Last evaluated: 2023-07-26. Review status: criteria provided, single submitter. Criteria: Quest Diagnostics criteria. Collection method: clinical testing. Allele origin: unknown.
Comment: This variant has not been reported in the published literature. The frequency of this variant in the general population, 0.0000071 (2/282858 chromosomes (Genome Aggregation Database)), is uninformative in the assessment of its pathogenicity. Analysis of this variant using bioinformatics tools for the prediction of the effect of amino acid changes on protein structure and function yielded conflicting predictions that this variant is benign or damaging. Based on the available information, we are unable to determine the clinical significance of this variant.

Literature cited by the submitters: PubMed 30414346 (cited by Quest Diagnostics Nichols Institute San Juan Capistrano).

NM_032043.3(BRIP1):c.269G>A (p.Cys90Tyr)

Gene: BRIP1 (BRCA1 interacting DNA helicase 1; minus strand). Cytogenetic location: 17q23.2.
Variant type: single nucleotide variant.
Coding change: c.269G>A on transcript NM_032043.3 (MANE Select); coding-DNA position 269, G replaced by A.
Protein change: p.Cys90Tyr; replaces cysteine 90 with tyrosine.
Molecular consequence: missense variant.
Genome position (GRCh38, 1-based): chr17:61,857,168, C>T on the plus strand (G>A on the coding strand, the complement: BRIP1 is on the minus strand). VCF-style: chr17-61857168-C-T. GRCh37 (hg19) VCF-style: chr17-59934529-C-T.
Other names: c.269G>A (NM_032043.2); short protein forms C90Y.
Identifiers: ClinVar variation 1356477 (VCV001356477.13), dbSNP rs1221074399, ClinGen allele CA400485490.